The following is an entry in ClinVar:

ClinVar aggregate classification (germline): Pathogenic (1 of 4 stars; one submission).

Submission:

Labcorp Genetics (formerly Invitae), Labcorp
Classification: Pathogenic. Last evaluated: 2023-05-30. Review status: criteria provided, single submitter. Criteria: Invitae Variant Classification Sherloc (09022015). Collection method: clinical testing. Allele origin: germline.
Comment: For these reasons, this variant has been classified as Pathogenic. This variant has not been reported in the literature in individuals affected with CHM-related conditions. This variant is not present in population databases (gnomAD no frequency). This sequence change creates a premature translational stop signal (p.Lys248Asnfs*43) in the CHM gene. It is expected to result in an absent or disrupted protein product. Loss-of-function variants in CHM are known to be pathogenic (PMID: 9067750, 23811034).

Literature cited by the submitters: PubMed 9067750; PubMed 23811034.

NM_000390.4(CHM):c.744del (p.Lys248fs)

Gene: CHM (CHM Rab escort protein; minus strand). Cytogenetic location: Xq21.2.
Variant type: Deletion.
Coding change: c.744del on transcript NM_000390.4 (MANE Select); coding-DNA position 744, one base deleted (A; older notation c.744delA).
Protein change: p.Lys248fs; shifts the reading frame from lysine 248.
Molecular consequence: frameshift variant.
Genome position (GRCh38, 1-based): chrX:85,958,936, T deleted on the plus strand (A on the coding strand, the reverse complement: CHM is on the minus strand); the first of 3 consecutive T bases (chrX:85,958,936-85,958,938); deleting any one gives the same sequence. VCF-style (leftmost placement, unchanged base first): chrX-85958935-AT-A. GRCh37 (hg19) VCF-style: chrX-85213940-AT-A.
Other names: c.300del, p.Lys100fs (NM_001320959.1, NM_001362517.1, NM_001362518.2 and 1 more transcripts); short protein forms K100fs, K248fs.
Identifiers: ClinVar variation 2750337 (VCV002750337.3), dbSNP rs2520261228, ClinGen allele CA2697553226.